The following is an entry in ClinVar:

NM_152703.5(SAMD9L):c.196C>G (p.Leu66Val)

Gene: SAMD9L (sterile alpha motif domain containing 9 like; minus strand). Cytogenetic location: 7q21.2.
Variant type: single nucleotide variant.
Coding change: c.196C>G on transcript NM_152703.5 (MANE Select); coding-DNA position 196, C replaced by G.
Protein change: p.Leu66Val; replaces leucine 66 with valine.
Molecular consequence: missense variant.
Genome position (GRCh38, 1-based): chr7:93,135,776, G>C on the plus strand (C>G on the coding strand, the complement: SAMD9L is on the minus strand). VCF-style: chr7-93135776-G-C. GRCh37 (hg19) VCF-style: chr7-92765089-G-C.
Other names: c.196C>G, p.Leu66Val (NM_001303496.3, NM_001303497.3, NM_001303498.3 and 5 more transcripts); c.196C>G (NM_152703.2, NM_152703.3); short protein forms L66V.
Identifiers: ClinVar variation 2060403 (VCV002060403.11), dbSNP rs187286856, ClinGen allele CA4343911.
Genomic context (GRCh38, chr7:93,135,776, plus strand): 5'-CATGATTGTCACTTTCAGGGGACTTACTATTCAATTTGTTGTATGAACGTTTTATCAAAA[G>C]TGCTGGACCCCATGGTAGCCCCATTTCTACAAGGTCCTTCTCAGTTAATTCCTGCAGGAC-3'
Protein context (NP_689916.2, residues 56-76): VEMGLPWGPA[Leu66Val]LIKRSYNKLN

ClinVar aggregate classification (germline): Uncertain significance. Review status: criteria provided, multiple submitters, no conflicts (2 of 4 stars). 6 submissions from 6 submitters: Uncertain significance (5). 1 of the submissions does not count toward it. Last evaluated 2025-06-17.

Conditions:
SAMD9L-related disorder. Also called: SAMD9L-related condition; SAMD9L-related disorders.
Ataxia-pancytopenia syndrome (ATXPC). Also called: SAMD9L Ataxia-Pancytopenia Syndrome; SAMD9L-Related Syndrome. Identifiers: Orphanet 2585, MedGen C1327919, MONDO:0008038, OMIM 159550.
Inborn genetic diseases. Identifiers: MedGen C0950123, MeSH D030342.

Allele frequency attached by ClinVar (database versions not stated): gnomAD 0.00001; 1000 Genomes Project 30x 0.00016; 1000 Genomes Project 0.00020.

Submissions (6):

St. Jude Molecular Pathology, St. Jude Children's Research Hospital
Classification: Uncertain significance for Ataxia-pancytopenia syndrome. Last evaluated: 2025-06-17. Review status: criteria provided, single submitter. Criteria: St. Jude Assertion Criteria 2020. Collection method: clinical testing. Allele origin: germline.
Comment: The SAMD9L c.196C>G p.(Leu66Val) missense change has a maximum subpopulation frequency of 0.0009% in gnomAD v2.1.1. The in silico tool REVEL predicts a benign effect on protein function, but to our knowledge this prediction has not been confirmed by functional studies. In silico predictions have not been found to correlate with syndromic risk and are not considered supporting evidence of a pathogenic or benign effect (PMID: 34621053). To our knowledge, this variant has not been reported in individuals with ataxia-pancytopenia syndrome or monosomy 7 myelodysplasia and leukemia syndrome. In summary, the evidence currently available is insufficient to determine the clinical significance of this variant. It has therefore been classified as of uncertain significance.

Ambry Genetics
Classification: Uncertain significance for Inborn genetic diseases. Last evaluated: 2024-12-30. Review status: criteria provided, single submitter. Criteria: Ambry Variant Classification Scheme 2023. Collection method: clinical testing. Allele origin: germline.
Comment: The p.L66V variant (also known as c.196C>G), located in coding exon 1 of the SAMD9L gene, results from a C to G substitution at nucleotide position 196. The leucine at codon 66 is replaced by valine, an amino acid with highly similar properties. This amino acid position is conserved. In addition, this alteration is predicted to be tolerated by in silico analysis. Based on the available evidence, the clinical significance of this variant remains unclear.

Dasa
Classification: Uncertain significance. Last evaluated: 2024-10-11. Review status: criteria provided, single submitter. Criteria: DASA Assertion Criteria. Collection method: clinical testing. Allele origin: germline.
Comment: NM_152703.5(SAMD9L):c.196C>G (p.Leu66Val) is a missense variant that results in the substitution of leucine with valine. This variant is rare in population databases. Computational prediction algorithms are consistent with a benign effect. The currently available literature and clinical evidence are not sufficient to establish a definitive association between this variant and the reported condition. Therefore, this variant is classified as a variant of uncertain significance.

GeneDx
Classification: Uncertain significance. Last evaluated: 2023-11-03. Review status: criteria provided, single submitter. Criteria: GeneDx Variant Classification Process June 2021. Collection method: clinical testing. Allele origin: germline. Affected: yes.
Comment: Not observed at significant frequency in large population cohorts (gnomAD); In silico analysis supports that this missense variant does not alter protein structure/function; Has not been previously published as pathogenic or benign to our knowledge

Labcorp Genetics (formerly Invitae), Labcorp
Classification: Uncertain significance. Last evaluated: 2022-07-24. Review status: criteria provided, single submitter. Criteria: Invitae Variant Classification Sherloc (09022015). Collection method: clinical testing. Allele origin: germline.
Comment: In summary, the available evidence is currently insufficient to determine the role of this variant in disease. Therefore, it has been classified as a Variant of Uncertain Significance. Algorithms developed to predict the effect of missense changes on protein structure and function are either unavailable or do not agree on the potential impact of this missense change (SIFT: "Not Available"; PolyPhen-2: "Benign"; Align-GVGD: "Not Available"). This variant has not been reported in the literature in individuals affected with SAMD9L-related conditions. This variant is present in population databases (rs187286856, gnomAD 0.0009%). This sequence change replaces leucine, which is neutral and non-polar, with valine, which is neutral and non-polar, at codon 66 of the SAMD9L protein (p.Leu66Val).

PreventionGenetics, part of Exact Sciences
Classification: Uncertain significance for SAMD9L-related condition. Last evaluated: 2024-08-25. Review status: no assertion criteria provided. Collection method: clinical testing. Allele origin: germline. Not counted in ClinVar's aggregate classification.
Comment: The SAMD9L c.196C>G variant is predicted to result in the amino acid substitution p.Leu66Val. To our knowledge, this variant has not been reported in the literature. This variant is reported in 0.00088% of alleles in individuals of European (Non-Finnish) descent in gnomAD, and is interpreted as a variant of uncertain significance in ClinVar. At this time, the clinical significance of this variant is uncertain due to the absence of conclusive functional and genetic evidence.